The following is an entry in ClinVar:

ClinVar aggregate classification (germline): Pathogenic (1 of 4 stars; one submission).

Conditions:
DICER1-related tumor predisposition. Also called: DICER1-related pleuropulmonary blastoma cancer predisposition syndrome; DICER1 syndrome. Identifiers: Orphanet 284343, MedGen C3839822, MONDO:0100216.

Submission:

Labcorp Genetics (formerly Invitae), Labcorp
Classification: Pathogenic for DICER1-related tumor predisposition. Last evaluated: 2021-10-19. Review status: criteria provided, single submitter. Criteria: Invitae Variant Classification Sherloc (09022015). Collection method: clinical testing. Allele origin: germline.
Comment: For these reasons, this variant has been classified as Pathogenic. This variant has not been reported in the literature in individuals affected with DICER1-related conditions. This variant is not present in population databases (ExAC no frequency). This sequence change creates a premature translational stop signal (p.Asn1742Thrfs*9) in the DICER1 gene. It is expected to result in an absent or disrupted protein product. Loss-of-function variants in DICER1 are known to be pathogenic (PMID: 19556464, 21266384).

Literature cited by the submitters: PubMed 19556464; PubMed 21266384.

NM_177438.3(DICER1):c.5225del (p.Asn1742fs)

Gene: DICER1 (dicer 1, ribonuclease III; minus strand). Cytogenetic location: 14q32.13.
Variant type: Deletion.
Coding change: c.5225del on transcript NM_177438.3 (MANE Select); coding-DNA position 5225, one base deleted (A; older notation c.5225delA).
Protein change: p.Asn1742fs; shifts the reading frame from asparagine 1742.
Molecular consequence: frameshift variant.
Genome position (GRCh38, 1-based): chr14:95,094,027, T deleted on the plus strand (A on the coding strand, the reverse complement: DICER1 is on the minus strand); the first of 2 consecutive T bases (chr14:95,094,027-95,094,028); deleting either gives the same sequence. VCF-style (leftmost placement, unchanged base first): chr14-95094026-GT-G. GRCh37 (hg19) VCF-style: chr14-95560363-GT-G.
Other names: c.5225del, p.Asn1742fs (NM_001195573.1, NM_001271282.3, NM_001291628.2 and 1 more transcripts); short protein forms N1742fs.
Identifiers: ClinVar variation 1414865 (VCV001414865.7), dbSNP rs2139813178, ClinGen allele CA2573150326.